The following is an entry in ClinVar:

NM_000548.5(TSC2):c.3610+1G>A

Gene: TSC2 (TSC complex subunit 2; plus strand). Cytogenetic location: 16p13.3.
Variant type: single nucleotide variant.
Coding change: c.3610+1G>A on transcript NM_000548.5 (MANE Select); the canonical splice donor site of the intron after coding-DNA position 3610, G replaced by A.
Molecular consequence: splice donor variant.
Genome position (GRCh38, 1-based): chr16:2,080,378, G>A. VCF-style: chr16-2080378-G-A. GRCh37 (hg19) VCF-style: chr16-2130379-G-A.
Other names: c.3607+1G>A (NM_001406664.1, NM_001406663.1); c.3481+1G>A (NM_021055.3, NM_001370405.1, NM_001363528.2); c.3478+1G>A (NM_001406665.1, NM_001370404.1, NM_001077183.3); c.2137+1G>A (NM_001406694.1, NM_001406693.1, NM_001406690.1 and 1 more transcripts); c.2134+1G>A (NM_001406695.1, NM_001406696.1, NM_001406691.1 and 1 more transcripts); c.3469+1G>A (NM_001406671.1); c.3466+1G>A (NM_001406673.1); c.3019+1G>A (NM_001406681.1); and 18 more.
Identifiers: ClinVar variation 49264 (VCV000049264.53), dbSNP rs45517299, ClinGen allele CA019341.

ClinVar aggregate classification (germline): Pathogenic. Review status: criteria provided, multiple submitters, no conflicts (2 of 4 stars). 9 submissions from 7 submitters: Pathogenic (6). 3 of the submissions do not count toward it. Last evaluated 2025-11-10.

Conditions:
Tuberous sclerosis syndrome (TSC). Also called: Tuberous Sclerosis Complex; Tuberous sclerosis. Identifiers: Orphanet 805, MedGen C0041341, MONDO:0001734.
Tuberous sclerosis 2 (TSC2). Identifiers: Orphanet 805, MedGen C1860707, MONDO:0013199, OMIM 613254.
Lymphangiomyomatosis (LAM). Also called: Lymphangioleiomyomatosis; Lymphangioleiomyomatosis, somatic. Identifiers: Orphanet 538, MedGen C0751674, MONDO:0011705, OMIM 606690.

Submissions (9):

Labcorp Genetics (formerly Invitae), Labcorp
Classification: Pathogenic for Tuberous sclerosis 2. Last evaluated: 2025-11-10. Review status: criteria provided, single submitter. Criteria: Invitae Variant Classification Sherloc (09022015). Collection method: clinical testing. Allele origin: germline.
Comment: This sequence change affects a donor splice site in intron 30 of the TSC2 gene. It is expected to disrupt RNA splicing. Variants that disrupt the donor or acceptor splice site typically lead to a loss of protein function (PMID: 16199547), and loss-of-function variants in TSC2 are known to be pathogenic (PMID: 10205261, 17304050). This variant is not present in population databases (gnomAD no frequency). Disruption of this splice site has been observed in individuals with tuberous sclerosis complex (PMID: 10942116, 11112665, 23389244). This variant is also known as c.3628+1G>A, IVS29+1G>A. ClinVar contains an entry for this variant (Variation ID: 49264). Algorithms developed to predict the effect of sequence changes on RNA splicing suggest that this variant may disrupt the consensus splice site. For these reasons, this variant has been classified as Pathogenic.

GeneDx
Classification: Pathogenic. Last evaluated: 2024-11-02. Review status: criteria provided, single submitter. Criteria: GeneDx Variant Classification Process June 2021. Collection method: clinical testing. Allele origin: germline. Affected: yes.
Comment: Not observed at significant frequency in large population cohorts (gnomAD); Canonical splice site variant predicted to result in an in-frame loss of the adjacent exon in a gene for which loss of function is a known mechanism of disease; Deletions involving coding exons of this gene are a known mechanism of disease (HGMD); This variant is associated with the following publications: (PMID: 25525159, 23389244, 32211034, 36232477, 11112665, 25782670, 23504366, 10942116, 31927531, 33727259, 27757534)

Genome-Nilou Lab
Classification: Pathogenic for Tuberous sclerosis 2. Last evaluated: 2021-11-07. Review status: criteria provided, single submitter. Criteria: ACMG Guidelines, 2015. Collection method: clinical testing. Allele origin: germline. Affected: no.

CeGaT Center for Human Genetics Tuebingen
Classification: Pathogenic. Last evaluated: 2021-10-01. Review status: criteria provided, single submitter. Criteria: CeGaT Center For Human Genetics Tuebingen Variant Classification Criteria Version 2. Collection method: clinical testing. Allele origin: germline. Affected: yes. Observed: 1 variant allele.

Division of Genomic Medicine, Department of Advanced Medicine, Medical Research Institute, Kanazawa Medical University
Classification: Pathogenic for Tuberous sclerosis 2. Last evaluated: 2020-07-10. Review status: criteria provided, single submitter. Criteria: ACMG Guidelines, 2015. Collection method: clinical testing. Allele origin: germline. Affected: yes. Observed: 1 variant allele.

Mayo Clinic Laboratories, Mayo Clinic
Classification: Pathogenic. Last evaluated: 2019-05-06. Review status: criteria provided, single submitter. Criteria: ACMG Guidelines, 2015. Collection method: clinical testing. Allele origin: germline. Observed: 1 variant allele.
Comment: PVS1, PS4_moderate, PM2, PP4

Tuberous sclerosis database (TSC2)
No classification provided. Condition: TSC. Review status: no classification provided. Criteria: Tuberous Sclerosis Database Assertion Criteria 2015. Collection method: curation. Allele origin: germline. Affected: yes. Not counted in ClinVar's aggregate classification.

Tuberous sclerosis database (TSC2)
No classification provided. Condition: LAM. Review status: no classification provided. Criteria: Tuberous Sclerosis Database Assertion Criteria 2015. Collection method: curation. Allele origin: germline. Affected: yes. Not counted in ClinVar's aggregate classification.

Tuberous sclerosis database (TSC2)
No classification provided. Condition: TSC. Review status: flagged submission. Criteria: Tuberous Sclerosis Database Assertion Criteria 2015. Collection method: curation. Allele origin: germline. Affected: yes. Not counted in ClinVar's aggregate classification.
ClinVar note: Reason: This record appears to be redundant with a more recent record from the same submitter.
ClinVar note: Notes: SCV000066314 appears to be redundant with SCV000083494.

Literature cited by the submitters: PubMed 16199547 (cited by Labcorp Genetics (formerly Invitae), Labcorp); PubMed 10205261 (cited by Labcorp Genetics (formerly Invitae), Labcorp); PubMed 17304050 (cited by Labcorp Genetics (formerly Invitae), Labcorp); PubMed 10942116 (cited by Labcorp Genetics (formerly Invitae), Labcorp and Mayo Clinic Laboratories, Mayo Clinic); PubMed 11112665 (cited by Labcorp Genetics (formerly Invitae), Labcorp and Mayo Clinic Laboratories, Mayo Clinic); PubMed 23389244 (cited by Labcorp Genetics (formerly Invitae), Labcorp); PubMed 25525159 (cited by Mayo Clinic Laboratories, Mayo Clinic); PubMed 23504366 (cited by Mayo Clinic Laboratories, Mayo Clinic); PubMed 27757534 (cited by Mayo Clinic Laboratories, Mayo Clinic).